The following is an entry in ClinVar:

ClinVar aggregate classification (germline): Pathogenic (1 of 4 stars; one submission).

Conditions:
Kabuki syndrome. Also called: NIIKAWA-KUROKI SYNDROME; Kabuki make-up syndrome. Identifiers: Orphanet 2322, MedGen C0796004, MONDO:0016512.

Submission:

Labcorp Genetics (formerly Invitae), Labcorp
Classification: Pathogenic for Kabuki syndrome. Last evaluated: 2021-08-29. Review status: criteria provided, single submitter. Criteria: Invitae Variant Classification Sherloc (09022015). Collection method: clinical testing. Allele origin: germline.
Comment: This sequence change creates a premature translational stop signal (p.Ala2119Leufs*25) in the KMT2D gene. It is expected to result in an absent or disrupted protein product. Loss-of-function variants in KMT2D are known to be pathogenic (PMID: 22126750). For these reasons, this variant has been classified as Pathogenic. This variant has not been reported in the literature in individuals affected with KMT2D-related conditions. This variant is not present in population databases (ExAC no frequency).

Literature cited by the submitters: PubMed 22126750.

NM_003482.4(KMT2D):c.6354del (p.Ala2119fs)

Gene: KMT2D (lysine methyltransferase 2D; minus strand). Cytogenetic location: 12q13.12.
Variant type: Deletion.
Coding change: c.6354del on transcript NM_003482.4 (MANE Select); coding-DNA position 6354, one base deleted (C; older notation c.6354delC).
Protein change: p.Ala2119fs; shifts the reading frame from alanine 2119.
Molecular consequence: frameshift variant.
Genome position (GRCh38, 1-based): chr12:49,041,416, G deleted on the plus strand (C on the coding strand, the reverse complement: KMT2D is on the minus strand); the first of 6 consecutive G bases (chr12:49,041,416-49,041,421); deleting any one gives the same sequence. VCF-style (leftmost placement, unchanged base first): chr12-49041415-CG-C. GRCh37 (hg19) VCF-style: chr12-49435198-CG-C.
Other names: short protein forms A2119fs.
Identifiers: ClinVar variation 1378112 (VCV001378112.6), dbSNP rs755159728, ClinGen allele CA645579718.